The following is an entry in ClinVar:

NM_001370259.2(MEN1):c.62G>A (p.Arg21His)

Gene: MEN1 (menin 1; minus strand). Cytogenetic location: 11q13.1.
Variant type: single nucleotide variant.
Coding change: c.62G>A on transcript NM_001370259.2 (MANE Select); coding-DNA position 62, G replaced by A.
Protein change: p.Arg21His; replaces arginine 21 with histidine.
Molecular consequence: missense variant. On other transcripts: non-coding transcript variant (4).
Genome position (GRCh38, 1-based): chr11:64,810,048, C>T on the plus strand (G>A on the coding strand, the complement: MEN1 is on the minus strand). VCF-style: chr11-64810048-C-T. GRCh37 (hg19) VCF-style: chr11-64577520-C-T.
Other names: c.62G>A, p.Arg21His (NM_130800.3, NM_130801.3, NM_130802.3 and 20 more transcripts); short protein forms R21H.
Identifiers: ClinVar variation 3394938 (VCV003394938.3).
Genomic context (GRCh38, chr11:64,810,048, plus strand): 5'-AGCACCAAGGAAAGGAGCACCAGGTCCGGCTCCTCTCGGCCCAGCTCGGCAGCAAACAGG[C>T]GCACCACGTCGTCGATGGAGCGCAGCGGGAACAGCGTCTTCTGGGCGGCCTTCAGCCCCA-3'
Protein context (NP_001357188.2, residues 11-31): FPLRSIDDVV[Arg21His]LFAAELGREE

ClinVar aggregate classification (germline): Uncertain significance. Review status: criteria provided, multiple submitters, no conflicts (2 of 4 stars). 2 submissions from 2 submitters: Uncertain significance (2). Last evaluated 2024-11-22.

Conditions:
Hereditary cancer-predisposing syndrome. Also called: Hereditary Cancer Syndrome; Hereditary neoplastic syndrome; Neoplastic Syndromes, Hereditary; Tumor predisposition. Identifiers: Orphanet 140162, MedGen C0027672, MeSH D009386, MONDO:0015356.
Multiple endocrine neoplasia, type 1 (MEN1). Also called: MEN I; WERMER SYNDROME; Endocrine adenomatosis multiple; MEN 1; MEA I. Identifiers: Orphanet 652, MedGen C0025267, MeSH D018761, MONDO:0007540, OMIM 131100.

Submissions (2):

Labcorp Genetics (formerly Invitae), Labcorp
Classification: Uncertain significance for Multiple endocrine neoplasia, type 1. Last evaluated: 2024-11-22. Review status: criteria provided, single submitter. Criteria: Invitae Variant Classification Sherloc (09022015). Collection method: clinical testing. Allele origin: germline.
Comment: This sequence change replaces arginine, which is basic and polar, with histidine, which is basic and polar, at codon 21 of the MEN1 protein (p.Arg21His). The frequency data for this variant in the population databases is considered unreliable, as metrics indicate poor data quality at this position in the gnomAD database. This variant has not been reported in the literature in individuals affected with MEN1-related conditions. Invitae Evidence Modeling of protein sequence and biophysical properties (such as structural, functional, and spatial information, amino acid conservation, physicochemical variation, residue mobility, and thermodynamic stability) indicates that this missense variant is not expected to disrupt MEN1 protein function with a negative predictive value of 80%. In summary, the available evidence is currently insufficient to determine the role of this variant in disease. Therefore, it has been classified as a Variant of Uncertain Significance.

Ambry Genetics
Classification: Uncertain significance for Hereditary cancer-predisposing syndrome. Last evaluated: 2024-11-03. Review status: criteria provided, single submitter. Criteria: Ambry Variant Classification Scheme 2023. Collection method: clinical testing. Allele origin: germline.
Comment: The p.R21H variant (also known as c.62G>A), located in coding exon 1 of the MEN1 gene, results from a G to A substitution at nucleotide position 62. The arginine at codon 21 is replaced by histidine, an amino acid with highly similar properties. This amino acid position is conserved. In addition, the in silico prediction for this alteration is inconclusive. Based on the available evidence, the clinical significance of this variant remains unclear.